The following is an entry in ClinVar:

NM_014806.5(RUSC2):c.1132G>A (p.Asp378Asn)

Gene: RUSC2 (RUN and SH3 domain containing 2; plus strand). Cytogenetic location: 9p13.3.
Variant type: single nucleotide variant.
Coding change: c.1132G>A on transcript NM_014806.5 (MANE Select); coding-DNA position 1132, G replaced by A.
Protein change: p.Asp378Asn; replaces aspartic acid 378 with asparagine.
Molecular consequence: missense variant. On other transcripts: non-coding transcript variant (1), intron variant (1).
Genome position (GRCh38, 1-based): chr9:35,547,653, G>A. VCF-style: chr9-35547653-G-A. GRCh37 (hg19) VCF-style: chr9-35547650-G-A.
Other names: c.1132G>A, p.Asp378Asn (NM_001135999.2); c.-620-7407G>A (NM_001330740.2); short protein forms D378N.
Identifiers: ClinVar variation 1382076 (VCV001382076.6), dbSNP rs2132553460, ClinGen allele CA373331313.

ClinVar aggregate classification (germline): Uncertain significance (1 of 4 stars; one submission).

Allele frequency attached by ClinVar (database versions not stated): gnomAD exomes below 0.00001.
gnomAD v4.1: 1 of 1,614,206 alleles (0.000062%); highest among the groups gnomAD compares: Non-Finnish European, 0.000085%; no homozygotes.

Submission:

Labcorp Genetics (formerly Invitae), Labcorp
Classification: Uncertain significance. Last evaluated: 2023-05-15. Review status: criteria provided, single submitter. Criteria: Invitae Variant Classification Sherloc (09022015). Collection method: clinical testing. Allele origin: germline.
Comment: In summary, the available evidence is currently insufficient to determine the role of this variant in disease. Therefore, it has been classified as a Variant of Uncertain Significance. An algorithm developed to predict the effect of missense changes on protein structure and function (PolyPhen-2) suggests that this variant is likely to be disruptive. ClinVar contains an entry for this variant (Variation ID: 1382076). This variant has not been reported in the literature in individuals affected with RUSC2-related conditions. This variant is not present in population databases (gnomAD no frequency). This sequence change replaces aspartic acid, which is acidic and polar, with asparagine, which is neutral and polar, at codon 378 of the RUSC2 protein (p.Asp378Asn).